The following is an entry in ClinVar:

ClinVar aggregate classification (germline): Likely benign. Review status: criteria provided, multiple submitters, no conflicts (2 of 4 stars). 2 submissions from 2 submitters: Likely benign (2). Last evaluated 2026-01-07.

Conditions:
Dilated cardiomyopathy 1G (CMD1G). Identifiers: Orphanet 154, MedGen C1858763, MONDO:0011400, OMIM 604145.
Autosomal recessive limb-girdle muscular dystrophy type 2J (LGMDR10). Also called: Limb-girdle muscular dystrophy, type 2J; MUSCULAR DYSTROPHY, LIMB-GIRDLE, AUTOSOMAL RECESSIVE 10. Identifiers: Orphanet 140922, MedGen C1837342, MONDO:0012127, OMIM 608807.

Allele frequency attached by ClinVar (database versions not stated): gnomAD 0.00001; gnomAD exomes 0.00001; TOPMed 0.00003; ExAC 0.00004; ESP Exome Variant Server 0.00008.
gnomAD v4.1: 9 of 1,518,646 alleles (0.00059%); highest among the groups gnomAD compares: Admixed American, 0.0041%; no homozygotes.

Submissions (2):

Labcorp Genetics (formerly Invitae), Labcorp
Classification: Likely benign for Dilated cardiomyopathy 1G; Autosomal recessive limb-girdle muscular dystrophy type 2J. Last evaluated: 2026-01-07. Review status: criteria provided, single submitter. Criteria: Invitae Variant Classification Sherloc (09022015). Collection method: clinical testing. Allele origin: germline.

CeGaT Center for Human Genetics Tuebingen
Classification: Likely benign. Last evaluated: 2025-02-01. Review status: criteria provided, single submitter. Criteria: CeGaT Center For Human Genetics Tuebingen Variant Classification Criteria Version 2. Collection method: clinical testing. Allele origin: germline. Affected: yes. Observed: 1 variant allele.
Comment: TTN: BP4, BP7

NM_001267550.2(TTN):c.26769C>T (p.Thr8923=)

Gene: TTN (titin; minus strand). Cytogenetic location: 2q31.2.
Variant type: single nucleotide variant.
Coding change: c.26769C>T on transcript NM_001267550.2 (MANE Select); coding-DNA position 26769, C replaced by T.
Protein change: p.Thr8923=; no amino-acid change (threonine 8923 retained).
Molecular consequence: synonymous variant. On other transcripts: intron variant (3).
Genome position (GRCh38, 1-based): chr2:178,713,365, G>A on the plus strand (C>T on the coding strand, the complement: TTN is on the minus strand). VCF-style: chr2-178713365-G-A. GRCh37 (hg19) VCF-style: chr2-179578092-G-A.
Other names: c.25818C>T, p.Thr8606= (NM_001256850.1); c.23037C>T, p.Thr7679= (NM_133378.4); c.13282+24717C>T (NM_003319.4); c.13858+24717C>T (NM_133437.4); c.13657+24717C>T (NM_133432.3).
Identifiers: ClinVar variation 1637526 (VCV001637526.21), dbSNP rs373578441, ClinGen allele CA1999922.
Genomic context (GRCh38, chr2:178,713,365, plus strand): 5'-AACTGAGGAGCCGGATAGACCATTTGTCTCTTTCAATTTTCTTGTGAATGAAGGAGGAAC[G>A]GTTCGGTCTGAATGATACAAAACAAAACAAAACAAAACAAAACAAAAAAAACAAAGGACA-3'
Protein context (NP_001254479.2, residues 8913-8933): CTASLQVSDR[Thr8923=]VPPSFTRKLK